The following is an entry in ClinVar:

ClinVar aggregate classification (germline): Uncertain significance. Review status: criteria provided, multiple submitters, no conflicts (2 of 4 stars). 3 submissions from 3 submitters: Uncertain significance (3). Last evaluated 2022-03-13.

Conditions:
Familial cancer of breast. Also called: Hereditary breast cancer; BREAST CANCER, FAMILIAL; hereditary breast carcinoma. Identifiers: Orphanet 227535, MedGen C0346153, MONDO:0016419, OMIM 114480. Disease mechanism: loss of function.
Hereditary cancer-predisposing syndrome. Also called: Hereditary neoplastic syndrome; Tumor predisposition; Neoplastic Syndromes, Hereditary; Hereditary Cancer Syndrome. Identifiers: Orphanet 140162, MedGen C0027672, MeSH D009386, MONDO:0015356.

Allele frequency attached by ClinVar (database versions not stated): gnomAD exomes below 0.00001.

Submissions (3):

Labcorp Genetics (formerly Invitae), Labcorp
Classification: Uncertain significance for Familial cancer of breast. Last evaluated: 2022-03-13. Review status: criteria provided, single submitter. Criteria: Invitae Variant Classification Sherloc (09022015). Collection method: clinical testing. Allele origin: germline.
Comment: In summary, the available evidence is currently insufficient to determine the role of this variant in disease. Therefore, it has been classified as a Variant of Uncertain Significance. Algorithms developed to predict the effect of missense changes on protein structure and function (SIFT, PolyPhen-2, Align-GVGD) all suggest that this variant is likely to be tolerated. ClinVar contains an entry for this variant (Variation ID: 1189343). This variant has not been reported in the literature in individuals affected with PALB2-related conditions. This variant is present in population databases (no rsID available, gnomAD 0.003%). This sequence change replaces proline, which is neutral and non-polar, with leucine, which is neutral and non-polar, at codon 240 of the PALB2 protein (p.Pro240Leu).

Ambry Genetics
Classification: Uncertain significance for Hereditary cancer-predisposing syndrome. Last evaluated: 2020-01-30. Review status: criteria provided, single submitter. Criteria: Ambry Variant Classification Scheme 2023. Collection method: clinical testing. Allele origin: germline.
Comment: The p.P240L variant (also known as c.719C>T), located in coding exon 4 of the PALB2 gene, results from a C to T substitution at nucleotide position 719. The proline at codon 240 is replaced by leucine, an amino acid with similar properties. This amino acid position is poorly conserved in available vertebrate species. In addition, this alteration is predicted to be tolerated by in silico analysis. Since supporting evidence is limited at this time, the clinical significance of this alteration remains unclear.

GeneDx
Classification: Uncertain significance. Last evaluated: 2019-06-27. Review status: criteria provided, single submitter. Criteria: GeneDx Variant Classification Process June 2021. Collection method: clinical testing. Allele origin: germline. Affected: yes.
Comment: Not observed at a significant frequency in large population cohorts (Lek et al., 2016); In silico analysis, which includes protein predictors and evolutionary conservation, supports that this variant does not alter protein structure/function; Has not been previously published as pathogenic or benign to our knowledge

NM_024675.4(PALB2):c.719C>T (p.Pro240Leu)

Gene: PALB2 (partner and localizer of BRCA2; minus strand). Cytogenetic location: 16p12.2.
Variant type: single nucleotide variant.
Coding change: c.719C>T on transcript NM_024675.4 (MANE Select); coding-DNA position 719, C replaced by T.
Protein change: p.Pro240Leu; replaces proline 240 with leucine.
Molecular consequence: missense variant.
Genome position (GRCh38, 1-based): chr16:23,635,827, G>A on the plus strand (C>T on the coding strand, the complement: PALB2 is on the minus strand). VCF-style: chr16-23635827-G-A. GRCh37 (hg19) VCF-style: chr16-23647148-G-A.
Other names: short protein forms P240L.
Identifiers: ClinVar variation 1189343 (VCV001189343.9), dbSNP rs1466115155, ClinGen allele CA395136303.
Genomic context (GRCh38, chr16:23,635,827, plus strand): 5'-TGACTACTACCGCTATCTGATAGAGTCTGTAAAGGAACTGTAGTCGCCCTGGTGAAATTA[G>A]GTCTTCTTAGGAATGTATCAACACCTTTTTCTGGTTGGGCAGTTGGTGGAATTAATACAC-3'
Protein context (NP_078951.2, residues 230-250): EKGVDTFLRR[Pro240Leu]NFTRATTVPL